The following is an entry in ClinVar:

NM_002734.5(PRKAR1A):c.1110C>A (p.Ile370=)

Gene: PRKAR1A (protein kinase cAMP-dependent type I regulatory subunit alpha; plus strand). Cytogenetic location: 17q24.2.
Variant type: single nucleotide variant.
Coding change: c.1110C>A on transcript NM_002734.5 (MANE Select); coding-DNA position 1110, C replaced by A.
Protein change: p.Ile370=; no amino-acid change (isoleucine 370 retained).
Molecular consequence: synonymous variant. On other transcripts: intron variant (1).
Genome position (GRCh38, 1-based): chr17:68,530,413, C>A. VCF-style: chr17-68530413-C-A. GRCh37 (hg19) VCF-style: chr17-66526554-C-A.
Other names: c.1110C>A, p.Ile370= (NM_001276289.2, NM_001278433.2, NM_001369389.1 and 3 more transcripts); c.973+412C>A (NM_001276290.1).
Identifiers: ClinVar variation 929216 (VCV000929216.1), dbSNP rs62638722, ClinGen allele CA501528378.

ClinVar aggregate classification (germline): Uncertain significance (1 of 4 stars; one submission).

gnomAD v4.1: 1 of 1,614,084 alleles (0.000062%); no homozygotes.

Submission:

Women's Health and Genetics/Laboratory Corporation of America, LabCorp
Classification: Uncertain significance. Last evaluated: 2019-05-02. Review status: criteria provided, single submitter. Criteria: LabCorp Variant Classification Summary - May 2015. Collection method: clinical testing. Allele origin: germline.
Comment: Variant summary: PRKAR1A c.1110C>A alters a conserved nucleotide resulting in a synonymous change. 5/5 computational tools predict no significant impact on normal splicing. However, these predictions have yet to be confirmed by functional studies. The variant was absent in 251440 control chromosomes (gnomAD). The available data on variant occurrences in the general population are insufficient to allow any conclusion about variant significance. To our knowledge, no occurrence of c.1110C>A in individuals affected with Carney Complex and no experimental evidence demonstrating its impact on protein function have been reported. No clinical diagnostic laboratories have submitted clinical-significance assessments for this variant to ClinVar after 2014. Based on the evidence outlined above, the variant was classified as VUS-possibly benign.